The following is an entry in ClinVar:

ClinVar aggregate classification (germline): Likely pathogenic (1 of 4 stars; one submission).

Conditions:
Long QT syndrome (LQTS). Identifiers: MedGen C0023976, MeSH D008133, MONDO:0002442. Disease mechanism: loss of function. Inheritance: Various modes of inheritance.

Submission:

Labcorp Genetics (formerly Invitae), Labcorp
Classification: Likely pathogenic for Long QT syndrome. Last evaluated: 2021-08-26. Review status: criteria provided, single submitter. Criteria: Invitae Variant Classification Sherloc (09022015). Collection method: clinical testing. Allele origin: germline.
Comment: This variant disrupts the p.Leu564 amino acid residue in KCNH2. Other variant(s) that disrupt this residue have been determined to be pathogenic (PMID: 10744792; Invitae). This suggests that this residue is clinically significant, and that variants that disrupt this residue are likely to be disease-causing. In summary, the currently available evidence indicates that the variant is pathogenic, but additional data are needed to prove that conclusively. Therefore, this variant has been classified as Likely Pathogenic. This sequence change replaces leucine with glutamine at codon 564 of the KCNH2 protein (p.Leu564Gln). The leucine residue is highly conserved and there is a moderate physicochemical difference between leucine and glutamine. This variant is not present in population databases (ExAC no frequency). This missense change has been observed in individual(s) with long QT syndrome (Invitae). In at least one individual the variant was observed to be de novo. Algorithms developed to predict the effect of missense changes on protein structure and function are either unavailable or do not agree on the potential impact of this missense change (SIFT: "Deleterious"; PolyPhen-2: "Probably Damaging"; Align-GVGD: "Class C0").

Literature cited by the submitters: PubMed 10744792.

NM_000238.4(KCNH2):c.1691T>A (p.Leu564Gln)

Gene: KCNH2 (potassium voltage-gated channel subfamily H member 2; minus strand). Cytogenetic location: 7q36.1.
Variant type: single nucleotide variant.
Coding change: c.1691T>A on transcript NM_000238.4 (MANE Select); coding-DNA position 1691, T replaced by A.
Protein change: p.Leu564Gln; replaces leucine 564 with glutamine.
Molecular consequence: missense variant.
Genome position (GRCh38, 1-based): chr7:150,951,702, A>T on the plus strand (T>A on the coding strand, the complement: KCNH2 is on the minus strand). VCF-style: chr7-150951702-A-T. GRCh37 (hg19) VCF-style: chr7-150648790-A-T.
Other names: c.671T>A, p.Leu224Gln (NM_001204798.2, NM_172057.3); c.1403T>A, p.Leu468Gln (NM_001406753.1, NM_001406756.1); c.1514T>A, p.Leu505Gln (NM_001406755.1); c.1391T>A, p.Leu464Gln (NM_001406757.1); c.1691T>A, p.Leu564Gln (NM_172056.3); short protein forms L564Q, L224Q, L464Q, L468Q, L505Q.
Identifiers: ClinVar variation 572344 (VCV000572344.10), dbSNP rs199472924, ClinGen allele CA369858768.